The following is an entry in ClinVar:

ClinVar aggregate classification (germline): Benign. Review status: criteria provided, multiple submitters, no conflicts (2 of 4 stars). 8 submissions from 8 submitters: Benign (6). 2 of the submissions do not count toward it. Last evaluated 2026-02-04.

Conditions:
Desmosterolosis. Identifiers: Orphanet 35107, MedGen C1865596, MONDO:0011217, OMIM 602398.

Allele frequency attached by ClinVar (database versions not stated): 1000 Genomes Project 30x 0.98735; ESP Exome Variant Server 0.98793; 1000 Genomes Project 0.98862; TOPMed 0.99054; gnomAD 0.99149 and 0.99202; ExAC 0.99684; gnomAD exomes 0.99759 and 0.99912.
gnomAD v4.1: 1,609,000 of 1,611,552 alleles (100%); highest among the groups gnomAD compares: East Asian, 100%; 803,256 homozygotes.

Submissions (8):

Labcorp Genetics (formerly Invitae), Labcorp
Classification: Benign. Last evaluated: 2026-02-04. Review status: criteria provided, single submitter. Criteria: Invitae Variant Classification Sherloc (09022015). Collection method: clinical testing. Allele origin: germline.

Blueprint Genetics
Classification: Benign. Last evaluated: 2024-11-26. Review status: criteria provided, single submitter. Criteria: ACMG Guidelines, 2015. Collection method: clinical testing. Allele origin: germline.

Genome-Nilou Lab
Classification: Benign for Desmosterolosis. Last evaluated: 2021-07-30. Review status: criteria provided, single submitter. Criteria: ACMG Guidelines, 2015. Collection method: clinical testing. Allele origin: germline. Affected: no.

GeneDx
Classification: Benign. Last evaluated: 2019-07-31. Review status: criteria provided, single submitter. Criteria: GeneDx Variant Classification Process June 2021. Collection method: clinical testing. Allele origin: germline. Affected: yes.

Illumina Laboratory Services, Illumina
Classification: Benign for Desmosterolosis. Last evaluated: 2018-01-12. Review status: criteria provided, single submitter. Criteria: ICSL Variant Classification Criteria 13 December 2019. Collection method: clinical testing. Allele origin: germline.
Comment: This variant was observed in the ICSL laboratory as part of a predisposition screen in an ostensibly healthy population. It had not been previously curated by ICSL or reported in the Human Gene Mutation Database (HGMD: prior to June 1st, 2018), and was therefore a candidate for classification through an automated scoring system. Utilizing variant allele frequency, disease prevalence and penetrance estimates, and inheritance mode, an automated score was calculated to assess if this variant is too frequent to cause the disease. Based on the score and internal cut-off values, a variant classified as benign is not then subjected to further curation. The score for this variant resulted in a classification of benign for this disease.

Breakthrough Genomics
Classification: Benign. Review status: criteria provided, single submitter. Criteria: ACMG Guidelines, 2015. Collection method: not provided. Allele origin: germline. Inheritance: Autosomal recessive inheritance. Affected: yes.

Diagnostic Laboratory, Department of Genetics, University Medical Center Groningen
Classification: Benign. Review status: no assertion criteria provided. Collection method: clinical testing. Allele origin: germline. Affected: yes. Study: VKGL Data-share Consensus. Not counted in ClinVar's aggregate classification.

Joint Genome Diagnostic Labs from Nijmegen and Maastricht, Radboudumc and MUMC+
Classification: Benign. Review status: no assertion criteria provided. Collection method: clinical testing. Allele origin: germline. Affected: yes. Study: VKGL Data-share Consensus. Not counted in ClinVar's aggregate classification.

NM_014762.4(DHCR24):c.1020+10A>G

Gene: DHCR24 (24-dehydrocholesterol reductase; minus strand). Cytogenetic location: 1p32.3.
Variant type: single nucleotide variant.
Coding change: c.1020+10A>G on transcript NM_014762.4 (MANE Select); 10 bases into the intron after coding-DNA position 1020, A replaced by G.
Molecular consequence: intron variant.
Genome position (GRCh38, 1-based): chr1:54,865,293, T>C on the plus strand (A>G on the coding strand, the complement: DHCR24 is on the minus strand). VCF-style: chr1-54865293-T-C. GRCh37 (hg19) VCF-style: chr1-55330966-T-C.
Identifiers: ClinVar variation 297656 (VCV000297656.25), dbSNP rs611057, ClinGen allele CA870670.